The following is an entry in ClinVar:

ClinVar aggregate classification (germline): Likely benign. Review status: criteria provided, single submitter (1 of 4 stars). 2 submissions from 2 submitters: Likely benign (1). 1 of the submissions does not count toward it. Last evaluated 2025-12-16.

Conditions:
PXDN-related disorder. Also called: PXDN-related condition.
Anterior segment dysgenesis 7 (ASGD7). Also called: Anterior segment dysgenesis 7, with sclerocornea; SCLEROCORNEA WITH OTHER OCULAR ANOMALIES. Identifiers: Orphanet 289499, MedGen C3151617, MONDO:0010015, OMIM 269400.

Allele frequency attached by ClinVar (database versions not stated): gnomAD 0.00013 and 0.00014; TOPMed 0.00015; gnomAD exomes 0.00017; ExAC 0.00030; ESP Exome Variant Server 0.00032.
gnomAD v4.1: 273 of 1,591,610 alleles (0.017%); highest among the groups gnomAD compares: Admixed American, 0.028%; no homozygotes.

Submissions (2):

Labcorp Genetics (formerly Invitae), Labcorp
Classification: Likely benign for Anterior segment dysgenesis 7. Last evaluated: 2025-12-16. Review status: criteria provided, single submitter. Criteria: Invitae Variant Classification Sherloc (09022015). Collection method: clinical testing. Allele origin: germline.

PreventionGenetics, part of Exact Sciences
Classification: Likely benign for PXDN-related condition. Last evaluated: 2019-04-25. Review status: no assertion criteria provided. Collection method: clinical testing. Allele origin: germline. Not counted in ClinVar's aggregate classification.
Comment: This variant is classified as likely benign based on ACMG/AMP sequence variant interpretation guidelines (Richards et al. 2015 PMID: 25741868, with internal and published modifications).

NM_012293.3(PXDN):c.1596C>T (p.Ser532=)

Gene: PXDN (peroxidasin; minus strand). Cytogenetic location: 2p25.3.
Variant type: single nucleotide variant.
Coding change: c.1596C>T on transcript NM_012293.3 (MANE Select); coding-DNA position 1596, C replaced by T.
Protein change: p.Ser532=; no amino-acid change (serine 532 retained).
Molecular consequence: synonymous variant.
Genome position (GRCh38, 1-based): chr2:1,662,156, G>A on the plus strand (C>T on the coding strand, the complement: PXDN is on the minus strand). VCF-style: chr2-1662156-G-A. GRCh37 (hg19) VCF-style: chr2-1665928-G-A.
Identifiers: ClinVar variation 725519 (VCV000725519.8), dbSNP rs375578544, ClinGen allele CA1513248.